The following is an entry in ClinVar:

NM_000132.4(F8):c.190G>A (p.Val64Met)

Gene: F8 (coagulation factor VIII; minus strand). Cytogenetic location: Xq28.
Variant type: single nucleotide variant.
Coding change: c.190G>A on transcript NM_000132.4 (MANE Select); coding-DNA position 190, G replaced by A.
Protein change: p.Val64Met; replaces valine 64 with methionine.
Molecular consequence: missense variant.
Genome position (GRCh38, 1-based): chrX:154,999,554, C>T on the plus strand (G>A on the coding strand, the complement: F8 is on the minus strand). VCF-style: chrX-154999554-C-T. GRCh37 (hg19) VCF-style: chrX-154227829-C-T.
Other names: c.190G>A (NM_000132.3); short protein forms V64M.
Identifiers: ClinVar variation 1330470 (VCV001330470.11), dbSNP rs187738612, ClinGen allele CA10568625.
Genomic context (GRCh38, chrX:154,999,554, plus strand): 5'-TTGGCTTAGCGATGTTGAAAAGGTGATCCGTGAATTCTACAAACAGAGTCTTTTTGTACA[C>T]GACTGAGGTGTTGAATGGAAAAGATTTTGGCACTCTAGGAGGAAATCTGCGTGAAGAAAG-3'
Protein context (NP_000123.1, residues 54-74): PKSFPFNTSV[Val64Met]YKKTLFVEFT

ClinVar aggregate classification (germline): Uncertain significance. Review status: criteria provided, multiple submitters, no conflicts (2 of 4 stars). 4 submissions from 4 submitters: Uncertain significance (4). Last evaluated 2026-06-18.

Conditions:
F8-related disorder. Also called: F8-related condition.

Allele frequency attached by ClinVar (database versions not stated): gnomAD 0.00024 and 0.00022; TOPMed 0.00046; 1000 Genomes Project 0.00106; 1000 Genomes Project 30x 0.00125; gnomAD exomes 0.00004 and 0.00008; ExAC 0.00009.
gnomAD v4.1: 77 of 1,206,010 alleles (0.0064%); highest among the groups gnomAD compares: Admixed American, 0.068%; no homozygotes.

Submissions (4):

Women's Health and Genetics/Laboratory Corporation of America, LabCorp
Classification: Uncertain significance. Last evaluated: 2026-06-18. Review status: criteria provided, single submitter. Criteria: LabCorp Variant Classification Summary - May 2015. Collection method: clinical testing. Allele origin: germline.
Comment: Variant summary: F8 c.190G>A (p.Val64Met) results in a conservative amino acid change in the encoded protein sequence. Algorithms developed to predict the effect of missense changes on protein structure and function are either unavailable or do not agree on the potential impact of this missense change. The variant allele was found at a frequency of 6.4e-05 in 1206010 control chromosomes. This frequency is not significantly higher than estimated for disease-causing variants in F8, however it was found in 19 presumably unaffected hemizygotes. c.190G>A has been observed in at least two individuals affected with Hemophilia A (e.g. Repesse_2007, Johnsen_2022). To our knowledge, no experimental evidence demonstrating an impact on protein function has been reported. The following publications have been ascertained in the context of this evaluation (PMID: 35770352, 17445092). ClinVar contains an entry for this variant (Variation ID: 1330470). Based on the evidence outlined above, the variant was classified as uncertain significance.

ARUP Laboratories, Molecular Genetics and Genomics, ARUP Laboratories
Classification: Uncertain significance. Last evaluated: 2024-11-07. Review status: criteria provided, single submitter. Criteria: ARUP Molecular Germline Variant Investigation Process 2024. Collection method: clinical testing. Allele origin: germline.
Comment: The F8 c.190G>A; p.Val64Met variant (rs187738612), also known as Val45Met, is reported in the literature in a single individual affected with hemophilia A (Repesse 2007). F8 clotting activity in this affected individual was measured at 20% of normal (Repesse 2007). This variant is found in the general population with an overall allele frequency of 0.01% (16/205341 alleles, including 4 hemizygotes) in the Genome Aggregation Database. The valine at codon 64 is weakly conserved, and computational analyses are uncertain whether this variant is neutral or deleterious (REVEL: 0.511). Due to limited and conflicting information, the clinical significance of the p.Val64Met variant is uncertain at this time. References: Repesse Y et al. Factor VIII (FVIII) gene mutations in 120 patients with hemophilia A: detection of 26 novel mutations and correlation with FVIII inhibitor development. J Thromb Haemost. 2007 Jul;5(7):1469-76. PMID: 17445092

PreventionGenetics, part of Exact Sciences
Classification: Uncertain significance for F8-related condition. Last evaluated: 2024-10-25. Review status: criteria provided, single submitter. Criteria: ACMG Guidelines, 2015. Collection method: clinical testing. Allele origin: germline.
Comment: The F8 c.190G>A variant is predicted to result in the amino acid substitution p.Val64Met. This variant has been reported in a single individual with mild hemophilia A (Repesse et al. 2007. PubMed ID: 17445092). This variant is reported in 0.032% of alleles in individuals of Latino descent in gnomAD, including four hemizygous observations. Although we suspect this variant is benign, at this time, the clinical significance of this variant is uncertain due to the absence of conclusive functional and genetic evidence.

Mendelics
Classification: Uncertain significance. Last evaluated: 2022-05-04. Review status: criteria provided, single submitter. Criteria: Mendelics Assertion Criteria 2019. Collection method: clinical testing. Allele origin: germline.

Literature cited by the submitters: PubMed 35770352 (cited by Women's Health and Genetics/Laboratory Corporation of America, LabCorp); PubMed 17445092 (cited by Women's Health and Genetics/Laboratory Corporation of America, LabCorp).